The following is an entry in ClinVar:

NM_004655.4(AXIN2):c.1971C>G (p.Ala657=)

Gene: AXIN2 (axin 2; minus strand). Cytogenetic location: 17q24.1.
Variant type: single nucleotide variant.
Coding change: c.1971C>G on transcript NM_004655.4 (MANE Select); coding-DNA position 1971, C replaced by G.
Protein change: p.Ala657=; no amino-acid change (alanine 657 retained).
Molecular consequence: synonymous variant.
Genome position (GRCh38, 1-based): chr17:65,536,490, G>C on the plus strand (C>G on the coding strand, the complement: AXIN2 is on the minus strand). VCF-style: chr17-65536490-G-C. GRCh37 (hg19) VCF-style: chr17-63532608-G-C.
Other names: c.1776C>G, p.Ala592= (NM_001363813.1).
Identifiers: ClinVar variation 3378946 (VCV003378946.2).

ClinVar aggregate classification (germline): Benign/Likely benign. Review status: criteria provided, multiple submitters, no conflicts (2 of 4 stars). 2 submissions from 2 submitters: Benign (1); Likely benign (1). Last evaluated 2024-12-12.

Conditions:
Hereditary cancer-predisposing syndrome. Also called: Neoplastic Syndromes, Hereditary; Tumor predisposition; Hereditary Cancer Syndrome; Hereditary neoplastic syndrome. Identifiers: Orphanet 140162, MedGen C0027672, MeSH D009386, MONDO:0015356.
Oligodontia-cancer predisposition syndrome. Also called: TOOTH AGENESIS-COLORECTAL CANCER SYNDROME. Identifiers: Orphanet 300576, MedGen C1837750, MONDO:0012075, OMIM 608615. Disease mechanism: loss of function.

Submissions (2):

Ambry Genetics
Classification: Likely benign for Hereditary cancer-predisposing syndrome. Last evaluated: 2024-12-12. Review status: criteria provided, single submitter. Criteria: Ambry Variant Classification Scheme 2023. Collection method: clinical testing. Allele origin: germline.

Myriad Genetics, Inc.
Classification: Benign for Oligodontia-cancer predisposition syndrome. Last evaluated: 2024-07-09. Review status: criteria provided, single submitter. Criteria: Myriad Autosomal Dominant, Autosomal Recessive and X-Linked Classification Criteria (2023). Collection method: clinical testing. Allele origin: unknown.
Comment: This variant is considered benign. This variant is a silent/synonymous amino acid change and it is not expected to impact splicing.